The following is an entry in ClinVar:

ClinVar aggregate classification (germline): Likely benign (1 of 4 stars; one submission).

Conditions:
Familial cancer of breast. Also called: BREAST CANCER, FAMILIAL; Hereditary breast cancer; hereditary breast carcinoma. Identifiers: Orphanet 227535, MedGen C0346153, MONDO:0016419, OMIM 114480. Disease mechanism: loss of function.

Submission:

Myriad Genetics, Inc.
Classification: Likely benign for Familial cancer of breast. Last evaluated: 2024-04-26. Review status: criteria provided, single submitter. Criteria: Myriad Autosomal Dominant, Autosomal Recessive and X-Linked Classification Criteria (2023). Collection method: clinical testing. Allele origin: unknown.
Comment: This variant is considered likely benign. This variant is intronic and is not expected to impact mRNA splicing.

NM_000051.4(ATM):c.1236-17T>C

Gene: ATM (ATM serine/threonine kinase; plus strand). Cytogenetic location: 11q22.3.
Variant type: single nucleotide variant.
Coding change: c.1236-17T>C on transcript NM_000051.4 (MANE Select); 17 bases into the intron before coding-DNA position 1236, T replaced by C.
Molecular consequence: intron variant.
Genome position (GRCh38, 1-based): chr11:108,250,684, T>C. VCF-style: chr11-108250684-T-C. GRCh37 (hg19) VCF-style: chr11-108121411-T-C.
Other names: c.1236-17T>C (NM_001351834.2).
Identifiers: ClinVar variation 3253845 (VCV003253845.1), dbSNP rs2497236334.
Genomic context (GRCh38, chr11:108,250,684, plus strand): 5'-ACCATGTCTATATATTTCCTTTTAGTTTGTTAATGTGATGGAATAGTTTTCAAATTATCC[T>C]TTTTTTTTTTTTTTAGGCTACAGATTGCAACCCAATTAATATCAAAGTATCCTGCAAGTT-3'